The following is an entry in ClinVar:

ClinVar aggregate classification (germline): Uncertain significance. Review status: criteria provided, multiple submitters, no conflicts (2 of 4 stars). 2 submissions from 2 submitters: Uncertain significance (2). Last evaluated 2025-09-04.

Conditions:
Inborn genetic diseases. Identifiers: MedGen C0950123, MeSH D030342.
Baller-Gerold syndrome (BGS). Also called: CRANIOSYNOSTOSIS WITH RADIAL DEFECTS. Identifiers: Orphanet 1225, MedGen C0265308, MONDO:0009039, OMIM 218600.

Submissions (2):

Ambry Genetics
Classification: Uncertain significance for Inborn genetic diseases. Last evaluated: 2025-09-04. Review status: criteria provided, single submitter. Criteria: Ambry Variant Classification Scheme 2023. Collection method: clinical testing. Allele origin: germline.
Comment: The p.G952S variant (also known as c.2854G>A), located in coding exon 16 of the RECQL4 gene, results from a G to A substitution at nucleotide position 2854. The glycine at codon 952 is replaced by serine, an amino acid with similar properties. This amino acid position is conserved. Based on the available evidence, the clinical significance of this variant remains unclear.

Labcorp Genetics (formerly Invitae), Labcorp
Classification: Uncertain significance for Baller-Gerold syndrome. Last evaluated: 2022-08-09. Review status: criteria provided, single submitter. Criteria: Invitae Variant Classification Sherloc (09022015). Collection method: clinical testing. Allele origin: germline.
Comment: In summary, the available evidence is currently insufficient to determine the role of this variant in disease. Therefore, it has been classified as a Variant of Uncertain Significance. ClinVar contains an entry for this variant (Variation ID: 1361995). This variant has not been reported in the literature in individuals affected with RECQL4-related conditions. This variant is not present in population databases (gnomAD no frequency). This sequence change replaces glycine, which is neutral and non-polar, with serine, which is neutral and polar, at codon 952 of the RECQL4 protein (p.Gly952Ser).

NM_004260.4(RECQL4):c.2854G>A (p.Gly952Ser)

Gene: RECQL4 (RecQ like helicase 4; minus strand). Cytogenetic location: 8q24.3.
Variant type: single nucleotide variant.
Coding change: c.2854G>A on transcript NM_004260.4 (MANE Select); coding-DNA position 2854, G replaced by A.
Protein change: p.Gly952Ser; replaces glycine 952 with serine.
Molecular consequence: missense variant.
Genome position (GRCh38, 1-based): chr8:144,512,673, C>T on the plus strand (G>A on the coding strand, the complement: RECQL4 is on the minus strand). VCF-style: chr8-144512673-C-T. GRCh37 (hg19) VCF-style: chr8-145738056-C-T.
Other names: c.2854G>A (NM_004260.3); short protein forms G952S.
Identifiers: ClinVar variation 1361995 (VCV001361995.7), dbSNP rs2130666255, ClinGen allele CA372673996.
Genomic context (GRCh38, chr8:144,512,673, plus strand): 5'-TCGTCTCCAACTGGGCAGGGCGTGCTTACCTGTGGGCCAGGGCCTGGAGCTGGGCAGGGC[C>T]CCCAGGGCAGTTCAGACGGCAATGGGTATAGGTGGTCGCCAGCAGCTCCAGCCAGTGGTG-3'
Protein context (NP_004251.4, residues 942-962): YTHCRLNCPG[Gly952Ser]PAQLQALAHR